The following is an entry in ClinVar:

NM_000548.5(TSC2):c.1375G>T (p.Gly459Cys)

Gene: TSC2 (TSC complex subunit 2; plus strand). Cytogenetic location: 16p13.3.
Variant type: single nucleotide variant.
Coding change: c.1375G>T on transcript NM_000548.5 (MANE Select); coding-DNA position 1375, G replaced by T.
Protein change: p.Gly459Cys; replaces glycine 459 with cysteine.
Molecular consequence: missense variant.
Genome position (GRCh38, 1-based): chr16:2,062,985, G>T. VCF-style: chr16-2062985-G-T. GRCh37 (hg19) VCF-style: chr16-2112986-G-T.
Other names: c.1375G>T, p.Gly459Cys (NM_001077183.3, NM_001114382.3, NM_001363528.2 and 3 more transcripts); c.1264G>T, p.Gly422Cys (NM_001318827.2); c.1228G>T, p.Gly410Cys (NM_001318829.2); c.775G>T, p.Gly259Cys (NM_001318831.2); c.1408G>T, p.Gly470Cys (NM_001318832.2); short protein forms G459C, G259C, G410C, G422C, G470C.
Identifiers: ClinVar variation 582621 (VCV000582621.18), dbSNP rs1567432890, ClinGen allele CA394323645.

ClinVar aggregate classification (germline): Conflicting classifications of pathogenicity. Review status: criteria provided, conflicting classifications (1 of 4 stars). 4 submissions from 4 submitters: Uncertain significance (3); Benign (1). Last evaluated 2025-07-22.

Conditions:
Tuberous sclerosis syndrome (TSC). Also called: Tuberous Sclerosis Complex; Tuberous sclerosis. Identifiers: Orphanet 805, MedGen C0041341, MONDO:0001734.
Hereditary cancer-predisposing syndrome. Also called: Neoplastic Syndromes, Hereditary; Hereditary Cancer Syndrome; Tumor predisposition; Hereditary neoplastic syndrome. Identifiers: Orphanet 140162, MedGen C0027672, MeSH D009386, MONDO:0015356.
Tuberous sclerosis 2 (TSC2). Identifiers: Orphanet 805, MedGen C1860707, MONDO:0013199, OMIM 613254.

Allele frequency attached by ClinVar (database versions not stated): gnomAD exomes below 0.00001.
gnomAD v4.1: 2 of 1,550,956 alleles (0.00013%); highest among the groups gnomAD compares: Non-Finnish European, 0.00017%; no homozygotes.

Submissions (4):

Labcorp Genetics (formerly Invitae), Labcorp
Classification: Benign for Tuberous sclerosis 2. Last evaluated: 2025-07-22. Review status: criteria provided, single submitter. Criteria: Invitae Variant Classification Sherloc (09022015). Collection method: clinical testing. Allele origin: germline.

All of Us Research Program, National Institutes of Health
Classification: Uncertain significance for Tuberous sclerosis syndrome. Last evaluated: 2024-05-14. Review status: criteria provided, single submitter. Criteria: ACMG Guidelines, 2015. Collection method: clinical testing. Allele origin: germline. Inheritance: Autosomal dominant inheritance. Observed: 1 variant allele, 1 heterozygote.
Comment: This missense variant replaces glycine with cysteine at codon 459 of the TSC2 protein. Computational prediction suggests that this variant may not impact protein structure and function (internally defined REVEL score threshold <= 0.5, PMID: 27666373). To our knowledge, functional studies have not been reported for this variant. This variant has not been reported in individuals affected with tuberous sclerosis complex in the literature. This variant has not been identified in the general population by the Genome Aggregation Database (gnomAD). The available evidence is insufficient to determine the role of this variant in disease conclusively. Therefore, this variant is classified as a Variant of Uncertain Significance.

This study involves interpretation of variants in research participants for the purpose of population health screening. Participant phenotype was not available at the time of variant classification. Additional details can be found in publication PMID: 35346344, PMCID: PMC8962531

Ambry Genetics
Classification: Uncertain significance for Hereditary cancer-predisposing syndrome. Last evaluated: 2023-11-30. Review status: criteria provided, single submitter. Criteria: Ambry Variant Classification Scheme 2023. Collection method: clinical testing. Allele origin: germline.
Comment: The p.G459C variant (also known as c.1375G>T), located in coding exon 13 of the TSC2 gene, results from a G to T substitution at nucleotide position 1375. The glycine at codon 459 is replaced by cysteine, an amino acid with highly dissimilar properties. This amino acid position is poorly conserved in available vertebrate species. In addition, the in silico prediction for this alteration is inconclusive. Since supporting evidence is limited at this time, the clinical significance of this alteration remains unclear.

Genome-Nilou Lab
Classification: Uncertain significance for Tuberous sclerosis 2. Last evaluated: 2021-11-07. Review status: criteria provided, single submitter. Criteria: ACMG Guidelines, 2015. Collection method: clinical testing. Allele origin: germline. Affected: no.